The following is an entry in ClinVar:

ClinVar aggregate classification (germline): Likely pathogenic. Review status: criteria provided, multiple submitters, no conflicts (2 of 4 stars). 2 submissions from 2 submitters: Likely pathogenic (2). Last evaluated 2026-03-27.

Conditions:
Hereditary cancer-predisposing syndrome. Also called: Tumor predisposition; Hereditary Cancer Syndrome; Hereditary neoplastic syndrome; Neoplastic Syndromes, Hereditary. Identifiers: Orphanet 140162, MedGen C0027672, MeSH D009386, MONDO:0015356.
Inherited breast cancer and ovarian cancer.

Submissions (3):

Genetics Laboratory, Great Ormond Street Hospital NHS Foundation Trust, North Thames Genomic Laboratory Hub
Classification: Likely pathogenic for Inherited breast cancer and ovarian cancer. Last evaluated: 2026-03-27. Review status: criteria provided, single submitter. Criteria: CanVIG BRCA Gene Specific V1.22. Collection method: clinical testing. Allele origin: germline. Affected: yes.
Comment: PM2_moderate, PP3_supporting, PM5_supporting, PS3_strong

Ambry Genetics
Classification: Likely pathogenic for Hereditary cancer-predisposing syndrome. Last evaluated: 2021-08-03. Review status: criteria provided, single submitter. Criteria: Ambry Variant Classification Scheme 2023. Collection method: clinical testing. Allele origin: germline.
Comment: The p.M1689K variant (also known as c.5066T>A), located in coding exon 15 of the BRCA1 gene, results from a T to A substitution at nucleotide position 5066. The methionine at codon 1689 is replaced by lysine, an amino acid with similar properties. One functional study found that this nucleotide substitution is non-functional in a high-throughput, genome editing, haploid cell survival assay (Findlay GM et al. Nature, 2018 10;562:217-222). Additionally, this alteration was found to cause sensitivity to both cisplatin and olaparib (Bouwman P et al. Clin Cancer Res, 2020 09;26:4559-4568). This variant is considered to be rare based on population cohorts in the Genome Aggregation Database (gnomAD). This amino acid position is highly conserved in available vertebrate species. In addition, this alteration is predicted to be deleterious by in silico analysis. Based on the majority of available evidence to date, this variant is likely to be pathogenic.

Brotman Baty Institute, University of Washington
No classification provided (evidence only). Condition: Breast-ovarian cancer, familial 1. Review status: no classification provided. Collection method: in vitro. Allele origin: not applicable. Functional consequence: functionally_abnormal. Not counted in ClinVar's aggregate classification.
ClinVar note: "not provided" was previously submitted as the classification for the variant. However, the classification appeared to be based only on an observation of functional data so it was converted to no classification on 2025-07-30.

Literature cited by the submitters: PubMed 30209399 (cited by Ambry Genetics); PubMed 32546644 (cited by Ambry Genetics).

NM_007294.4(BRCA1):c.5066T>A (p.Met1689Lys)

Gene: BRCA1 (BRCA1 DNA repair associated; minus strand). Cytogenetic location: 17q21.31.
Variant type: single nucleotide variant.
Coding change: c.5066T>A on transcript NM_007294.4 (MANE Select); coding-DNA position 5066, T replaced by A.
Protein change: p.Met1689Lys; replaces methionine 1689 with lysine.
Molecular consequence: missense variant. On other transcripts: non-coding transcript variant (1).
Genome position (GRCh38, 1-based): chr17:43,067,616, A>T on the plus strand (T>A on the coding strand, the complement: BRCA1 is on the minus strand). VCF-style: chr17-43067616-A-T. GRCh37 (hg19) VCF-style: chr17-41219633-A-T.
Other names: c.1556T>A, p.Met519Lys (NM_001408474.1); c.1553T>A, p.Met518Lys (NM_001408475.1, NM_001408476.1); c.1547T>A, p.Met516Lys (NM_001408478.1, NM_001408479.1, NM_001408480.1); c.1544T>A, p.Met515Lys (NM_001408481.1, NM_001408482.1, NM_001408483.1 and 5 more transcripts); c.1493T>A, p.Met498Lys (NM_001408496.1, NM_001408497.1, NM_001408498.1 and 3 more transcripts); c.1490T>A, p.Met497Lys (NM_001408502.1, NM_001408503.1, NM_001408504.1); c.4925T>A, p.Met1642Lys (NM_007297.4, NM_001407695.1, NM_001407696.1 and 13 more transcripts); c.1754T>A, p.Met585Lys (NM_007298.4, NM_007299.4, NM_007304.2 and 13 more transcripts); and 70 more; short protein forms M585K, M1642K, M1689K, M1710K, M1577K, M1599K, M1600K, M1646K.
Identifiers: ClinVar variation 864899 (VCV000864899.6), dbSNP rs80357061, ClinGen allele CA10591388.